The following is an entry in ClinVar:

ClinVar aggregate classification (germline): Uncertain significance (1 of 4 stars; one submission).

Conditions:
Capillary malformation-arteriovenous malformation syndrome. Also called: Capillary malformation-arteriovenous malformation. Identifiers: Orphanet 137667, MedGen C1842180, MONDO:0012016.

Submission:

Labcorp Genetics (formerly Invitae), Labcorp
Classification: Uncertain significance for Capillary malformation-arteriovenous malformation syndrome. Last evaluated: 2017-06-02. Review status: criteria provided, single submitter. Criteria: Invitae Variant Classification Sherloc (09022015). Collection method: clinical testing. Allele origin: germline.
Comment: In summary, this variant has uncertain impact on RASA1 function. The available evidence is currently insufficient to determine its role in disease. Therefore, it has been classified as a Variant of Uncertain Significance. Algorithms developed to predict the effect of missense changes on protein structure and function do not agree on the potential impact of this missense change (SIFT: "Deleterious"; PolyPhen-2: "Probably Damaging"; Align-GVGD: "Class C0"). This variant has not been reported in the literature in individuals with a RASA1-related disease. This variant is not present in population databases (ExAC no frequency). This sequence change replaces glycine with valine at codon 132 of the RASA1 protein (p.Gly132Val). The glycine residue is weakly conserved and there is a moderate physicochemical difference between glycine and valine.

NM_002890.3(RASA1):c.395_396delinsTT (p.Gly132Val)

Gene: RASA1 (RAS p21 protein activator 1; plus strand). Cytogenetic location: 5q14.3.
Variant type: Indel.
Coding change: c.395_396delinsTT on transcript NM_002890.3 (MANE Select); coding-DNA positions 395 to 396, GC replaced by TT.
Protein change: p.Gly132Val; replaces glycine 132 with valine.
Molecular consequence: missense variant.
Genome position (GRCh38, 1-based): chr5:87,268,846-87,268,847, GC replaced by TT. VCF-style: chr5-87268846-GC-TT. GRCh37 (hg19) VCF-style: chr5-86564663-GC-TT.
Other names: short protein forms G132V.
Identifiers: ClinVar variation 464868 (VCV000464868.8), dbSNP rs1554038863, ClinGen allele CA658657456.